The following is an entry in ClinVar:

ClinVar aggregate classification (germline): Uncertain significance (1 of 4 stars; one submission).

Conditions:
Diffuse nonepidermolytic palmoplantar keratoderma (NEPPK). Also called: Nonepidermolytic palmoplantar keratoderma; Nonepidermolytic palmoplantar hyperkeratosis. Identifiers: Orphanet 530838, MedGen C1833030, MONDO:0010962, OMIM 600962, HP:0007404.

Submission:

Victorian Clinical Genetics Services, Murdoch Childrens Research Institute
Classification: Uncertain significance for Diffuse nonepidermolytic palmoplantar keratoderma. Last evaluated: 2020-10-19. Review status: criteria provided, single submitter. Criteria: ACMG Guidelines, 2015. Collection method: clinical testing. Allele origin: germline. Inheritance: Autosomal dominant inheritance. Affected: yes.
Comment: Based on the classification scheme VCGS_Germline_v0.6.1, this variant is classified as VUS-3A. Following criteria are met: 0104 - Mechanism of disease for this gene is dominant negative. (N) 0107 - This gene is known to be associated with autosomal dominant disease. (N) 0200 - Variant is predicted to result in a missense amino acid change from alanine to threonine (exon 7). (N) 0301 - Variant is absent from gnomAD. (P) 0309 - An alternative amino acid change at the same position has been observed in gnomAD (2 heterozygotes, 0 homozygotes). (N) 0501 - Missense variant consistently predicted to be damaging by in silico tools. (P) 0600 - Variant is located in an annotated domain or motif that does not have a well established function (2B rod domain; PMID: 19470048). (N) 0705 - No comparable variants in relevant codon/region have previous evidence for pathogenicity. (N) 0807 - Variant has not previously been reported in a clinical context. (N) 0905 - No published segregation evidence has been identified for this variant. (N) 1007 - No published functional evidence has been identified for this variant. (N) Legend: (P) - Pathogenic, (N) - Neutral, (B) - Benign

Literature cited by the submitters: PubMed 19470048.

NM_006121.4(KRT1):c.1318G>A (p.Ala440Thr)

Gene: KRT1 (keratin 1; minus strand). Cytogenetic location: 12q13.13.
Variant type: single nucleotide variant.
Coding change: c.1318G>A on transcript NM_006121.4 (MANE Select); coding-DNA position 1318, G replaced by A.
Protein change: p.Ala440Thr; replaces alanine 440 with threonine.
Molecular consequence: missense variant.
Genome position (GRCh38, 1-based): chr12:52,676,432, C>T on the plus strand (G>A on the coding strand, the complement: KRT1 is on the minus strand). VCF-style: chr12-52676432-C-T. GRCh37 (hg19) VCF-style: chr12-53070216-C-T.
Other names: short protein forms A440T.
Identifiers: ClinVar variation 1805617 (VCV001805617.1), dbSNP rs759330692, ClinGen allele CA384963228.